The following is an entry in ClinVar:

ClinVar aggregate classification (germline): Pathogenic. Review status: criteria provided, multiple submitters, no conflicts (2 of 4 stars). 3 submissions from 3 submitters: Pathogenic (3). Last evaluated 2024-06-24.

Conditions:
Rubinstein-Taybi syndrome due to CREBBP mutations (RSTS1). Also called: Rubinstein-Taybi syndrome 1; RUBINSTEIN-TAYBI SYNDROME 1, INCOMPLETE; BROAD THUMBS AND GREAT TOES, CHARACTERISTIC FACIES, AND IMPAIRED INTELLECTUAL DEVELOPMENT; CREBBP-Related Rubinstein-Taybi Syndrome; BROAD THUMB-HALLUX SYNDROME; RUBINSTEIN SYNDROME. Identifiers: Orphanet 353277, Orphanet 783, MedGen C4551859, MONDO:0008393, OMIM 180849.
Rubinstein-Taybi syndrome due to EP300 haploinsufficiency. Also called: EP300-Related Rubinstein-Taybi Syndrome; RUBINSTEIN-TAYBI SYNDROME 2. Identifiers: Orphanet 353284, Orphanet 783, MedGen C3150941, MONDO:0013364, OMIM 613684.

Submissions (3):

GeneDx
Classification: Pathogenic. Last evaluated: 2024-06-24. Review status: criteria provided, single submitter. Criteria: GeneDx Variant Classification Process June 2021. Collection method: clinical testing. Allele origin: germline. Affected: yes.
Comment: Reported in patient who harbored a de novo variant in an additional gene from a large cohort dataset involving de novo variants in patients with developmental disorders (PMID: 33057194); Not observed at significant frequency in large population cohorts (gnomAD); Frameshift variant predicted to result in protein truncation or nonsense mediated decay in a gene for which loss of function is a known mechanism of disease; This variant is associated with the following publications: (PMID: 35982159, 33057194)

Labcorp Genetics (formerly Invitae), Labcorp
Classification: Pathogenic for Rubinstein-Taybi syndrome due to EP300 haploinsufficiency. Last evaluated: 2022-04-18. Review status: criteria provided, single submitter. Criteria: Invitae Variant Classification Sherloc (09022015). Collection method: clinical testing. Allele origin: germline.
Comment: For these reasons, this variant has been classified as Pathogenic. ClinVar contains an entry for this variant (Variation ID: 803700). This variant has not been reported in the literature in individuals affected with EP300-related conditions. This variant is not present in population databases (gnomAD no frequency). This sequence change creates a premature translational stop signal (p.Asn1236Lysfs*2) in the EP300 gene. It is expected to result in an absent or disrupted protein product. Loss-of-function variants in EP300 are known to be pathogenic (PMID: 15706485, 24476420).

Mendelics
Classification: Pathogenic for Rubinstein-Taybi syndrome due to CREBBP mutations. Last evaluated: 2019-05-28. Review status: criteria provided, single submitter. Criteria: Mendelics Assertion Criteria 2017. Collection method: clinical testing. Allele origin: unknown.

Literature cited by the submitters: PubMed 15706485 (cited by Labcorp Genetics (formerly Invitae), Labcorp); PubMed 24476420 (cited by Labcorp Genetics (formerly Invitae), Labcorp).

NM_001429.4(EP300):c.3707dup (p.Asn1236fs)

Gene: EP300 (EP300 lysine acetyltransferase; plus strand). Cytogenetic location: 22q13.2.
Variant type: Duplication.
Coding change: c.3707dup on transcript NM_001429.4 (MANE Select); coding-DNA position 3707, one base duplicated (A; older notation c.3707dupA).
Protein change: p.Asn1236fs; shifts the reading frame from asparagine 1236.
Molecular consequence: frameshift variant.
Genome position (GRCh38, 1-based): chr22:41,162,758, A duplicated; the last of 6 consecutive A bases (chr22:41,162,753-41,162,758); duplicating any one gives the same sequence. VCF-style (leftmost placement, unchanged base first): chr22-41162752-G-GA. GRCh37 (hg19) VCF-style: chr22-41558756-G-GA.
Other names: c.3707dup (NM_001429.3); c.3629dup, p.Asn1210fs (NM_001362843.2); short protein forms N1210fs, N1236fs.
Identifiers: ClinVar variation 803700 (VCV000803700.6), dbSNP rs1601628237, ClinGen allele CA645616453.